The following is an entry in ClinVar:

ClinVar aggregate classification (germline): Uncertain significance (1 of 4 stars; one submission).

Conditions:
Progressive sclerosing poliodystrophy (MTDPS4A). Also called: ALPERS PROGRESSIVE INFANTILE POLIODYSTROPHY; NEURONAL DEGENERATION OF CHILDHOOD WITH LIVER DISEASE, PROGRESSIVE; Mitochondrial DNA depletion syndrome 4A (Alpers type); Alpers Syndrome; ALPERS DIFFUSE DEGENERATION OF CEREBRAL GRAY MATTER WITH HEPATIC CIRRHOSIS; Alpers-Huttenlocher Syndrome. Identifiers: Orphanet 726, MedGen C0205710, MONDO:0008758, OMIM 203700.

Allele frequency attached by ClinVar (database versions not stated): gnomAD exomes below 0.00001.
gnomAD v4.1: 1 of 1,614,024 alleles (0.000062%); highest among the groups gnomAD compares: African/African-American, 0.0013%; no homozygotes.

Submission:

Labcorp Genetics (formerly Invitae), Labcorp
Classification: Uncertain significance for Progressive sclerosing poliodystrophy. Last evaluated: 2024-07-06. Review status: criteria provided, single submitter. Criteria: Invitae Variant Classification Sherloc (09022015). Collection method: clinical testing. Allele origin: germline.
Comment: This sequence change replaces histidine, which is basic and polar, with tyrosine, which is neutral and polar, at codon 805 of the POLG protein (p.His805Tyr). This variant is not present in population databases (gnomAD no frequency). This variant has not been reported in the literature in individuals affected with POLG-related conditions. Advanced modeling of protein sequence and biophysical properties (such as structural, functional, and spatial information, amino acid conservation, physicochemical variation, residue mobility, and thermodynamic stability) performed at Invitae indicates that this missense variant is expected to disrupt POLG protein function with a positive predictive value of 95%. In summary, the available evidence is currently insufficient to determine the role of this variant in disease. Therefore, it has been classified as a Variant of Uncertain Significance.

NM_002693.3(POLG):c.2413C>T (p.His805Tyr)

Gene: POLG (DNA polymerase gamma, catalytic subunit; minus strand). Cytogenetic location: 15q26.1.
Variant type: single nucleotide variant.
Coding change: c.2413C>T on transcript NM_002693.3 (MANE Select); coding-DNA position 2413, C replaced by T.
Protein change: p.His805Tyr; replaces histidine 805 with tyrosine.
Molecular consequence: missense variant.
Genome position (GRCh38, 1-based): chr15:89,322,755, G>A on the plus strand (C>T on the coding strand, the complement: POLG is on the minus strand). VCF-style: chr15-89322755-G-A. GRCh37 (hg19) VCF-style: chr15-89865986-G-A.
Other names: c.2413C>T, p.His805Tyr (NM_001126131.2); short protein forms H805Y.
Identifiers: ClinVar variation 2915323 (VCV002915323.3), dbSNP rs2509226554, ClinGen allele CA393756227.